The following is an entry in ClinVar:

ClinVar aggregate classification (germline): Benign/Likely benign. Review status: criteria provided, multiple submitters, no conflicts (2 of 4 stars). 6 submissions from 6 submitters: Benign (4); Likely benign (2). Last evaluated 2026-02-01.

Conditions:
Donnai-Barrow syndrome. Also called: DBS/FOAR SYNDROME; FACIOOCULOACOUSTICORENAL SYNDROME. Identifiers: Orphanet 2143, MedGen C1857277, MONDO:0009104, OMIM 222448.

Allele frequency attached by ClinVar (database versions not stated): gnomAD exomes 0.00022 and 0.00070; ExAC 0.00100; 1000 Genomes Project 0.00180; 1000 Genomes Project 30x 0.00187; gnomAD 0.00255 and 0.00285; TOPMed 0.00278; ESP Exome Variant Server 0.00361.
gnomAD v4.1: 738 of 1,612,400 alleles (0.046%); highest among the groups gnomAD compares: African/African-American, 0.86%; 3 homozygotes.

Submissions (6):

Labcorp Genetics (formerly Invitae), Labcorp
Classification: Benign. Last evaluated: 2026-02-01. Review status: criteria provided, single submitter. Criteria: Invitae Variant Classification Sherloc (09022015). Collection method: clinical testing. Allele origin: germline.

Blueprint Genetics
Classification: Likely benign. Last evaluated: 2024-10-24. Review status: criteria provided, single submitter. Criteria: ACMG Guidelines, 2015. Collection method: clinical testing. Allele origin: germline.

CeGaT Center for Human Genetics Tuebingen
Classification: Likely benign. Last evaluated: 2022-09-01. Review status: criteria provided, single submitter. Criteria: CeGaT Center For Human Genetics Tuebingen Variant Classification Criteria Version 2. Collection method: clinical testing. Allele origin: germline. Affected: yes. Observed: 1 variant allele.
Comment: LRP2: BP4, BP7

Genome-Nilou Lab
Classification: Benign for Donnai-Barrow syndrome. Last evaluated: 2021-07-15. Review status: criteria provided, single submitter. Criteria: ACMG Guidelines, 2015. Collection method: clinical testing. Allele origin: germline. Affected: no.

Illumina Laboratory Services, Illumina
Classification: Benign for Donnai-Barrow syndrome. Last evaluated: 2018-01-13. Review status: criteria provided, single submitter. Criteria: ICSL Variant Classification Criteria 13 December 2019. Collection method: clinical testing. Allele origin: germline.
Comment: This variant was observed in the ICSL laboratory as part of a predisposition screen in an ostensibly healthy population. It had not been previously curated by ICSL or reported in the Human Gene Mutation Database (HGMD: prior to June 1st, 2018), and was therefore a candidate for classification through an automated scoring system. Utilizing variant allele frequency, disease prevalence and penetrance estimates, and inheritance mode, an automated score was calculated to assess if this variant is too frequent to cause the disease. Based on the score and internal cut-off values, a variant classified as benign is not then subjected to further curation. The score for this variant resulted in a classification of benign for this disease.

Breakthrough Genomics
Classification: Benign. Review status: criteria provided, single submitter. Criteria: ACMG Guidelines, 2015. Collection method: not provided. Allele origin: germline. Inheritance: Autosomal recessive inheritance. Affected: yes.

NM_004525.3(LRP2):c.2520A>G (p.Leu840=)

Gene: LRP2 (LDL receptor related protein 2; minus strand). Cytogenetic location: 2q31.1.
Variant type: single nucleotide variant.
Coding change: c.2520A>G on transcript NM_004525.3 (MANE Select); coding-DNA position 2520, A replaced by G.
Protein change: p.Leu840=; no amino-acid change (leucine 840 retained).
Molecular consequence: synonymous variant.
Genome position (GRCh38, 1-based): chr2:169,257,243, T>C on the plus strand (A>G on the coding strand, the complement: LRP2 is on the minus strand). VCF-style: chr2-169257243-T-C. GRCh37 (hg19) VCF-style: chr2-170113753-T-C.
Identifiers: ClinVar variation 742452 (VCV000742452.42), dbSNP rs114780253, ClinGen allele CA1955268.